The following is an entry in ClinVar:

NM_007194.4(CHEK2):c.966_972dup (p.Lys325fs)

Gene: CHEK2 (checkpoint kinase 2; minus strand). Cytogenetic location: 22q12.1.
Variant type: Duplication.
Coding change: c.966_972dup on transcript NM_007194.4 (MANE Select); coding-DNA positions 966 to 972, 7 bases duplicated (TACCTGC; older notation c.966_972dupTACCTGC).
Protein change: p.Lys325fs; shifts the reading frame from lysine 325.
Molecular consequence: frameshift variant.
Genome position (GRCh38, 1-based): chr22:28,699,874-28,699,880, GCAGGTA duplicated on the plus strand (TACCTGC on the coding strand, the reverse complement: CHEK2 is on the minus strand); duplicating any 7 consecutive bases within chr22:28,699,874-28,699,882 gives the same sequence; the c. name uses the placement nearest the transcript's 3' end. VCF-style (leftmost placement, unchanged base first): chr22-28699873-T-TGCAGGTA. GRCh37 (hg19) VCF-style: chr22-29095861-T-TGCAGGTA.
Other names: c.1093_1099dup, p.Lys368Tyrfs (NM_001005735.3); c.301_307dup, p.Lys104Tyrfs (NM_001257387.3); c.763_769dup, p.Lys258Tyrfs (NM_001349956.3); c.964_970dup, p.Lys325Tyrfs (NM_145862.3); short protein forms K258fs, K104fs, K368fs, K325fs.
Identifiers: ClinVar variation 823395 (VCV000823395.4), dbSNP rs1601738571, ClinGen allele CA915952855.

ClinVar aggregate classification (germline): Pathogenic (1 of 4 stars; one submission).

Conditions:
Hereditary cancer-predisposing syndrome. Also called: Tumor predisposition; Hereditary Cancer Syndrome; Neoplastic Syndromes, Hereditary; Hereditary neoplastic syndrome. Identifiers: Orphanet 140162, MedGen C0027672, MeSH D009386, MONDO:0015356.

Submission:

Ambry Genetics
Classification: Pathogenic for Hereditary cancer-predisposing syndrome. Last evaluated: 2018-03-18. Review status: criteria provided, single submitter. Criteria: Ambry Variant Classification Scheme 2023. Collection method: clinical testing. Allele origin: germline.
Comment: The c.966_972dupTACCTGC variant, located in coding exon 8 of the CHEK2 gene, results from a duplication of TACCTGC at nucleotide position 966, causing a translational frameshift with a predicted alternate stop codon (p.K325Yfs*18). This alteration is expected to result in loss of function by premature protein truncation or nonsense-mediated mRNA decay. As such, this alteration is interpreted as a disease-causing mutation.